The following is an entry in ClinVar:

ClinVar aggregate classification (germline): Uncertain significance (1 of 4 stars; one submission).

Submission:

Labcorp Genetics (formerly Invitae), Labcorp
Classification: Uncertain significance. Last evaluated: 2021-12-21. Review status: criteria provided, single submitter. Criteria: Invitae Variant Classification Sherloc (09022015). Collection method: clinical testing. Allele origin: germline.
Comment: This sequence change replaces arginine, which is basic and polar, with glycine, which is neutral and non-polar, at codon 129 of the BSND protein (p.Arg129Gly). This variant is not present in population databases (gnomAD no frequency). This variant has not been reported in the literature in individuals affected with BSND-related conditions. Algorithms developed to predict the effect of missense changes on protein structure and function output the following: SIFT: "Tolerated"; PolyPhen-2: "Possibly Damaging"; Align-GVGD: "Class C0". The glycine amino acid residue is found in multiple mammalian species, which suggests that this missense change does not adversely affect protein function. In summary, the available evidence is currently insufficient to determine the role of this variant in disease. Therefore, it has been classified as a Variant of Uncertain Significance.

NM_057176.3(BSND):c.385C>G (p.Arg129Gly)

Gene: BSND (barttin CLCNK type accessory subunit beta; plus strand). Cytogenetic location: 1p32.3.
Variant type: single nucleotide variant.
Coding change: c.385C>G on transcript NM_057176.3 (MANE Select); coding-DNA position 385, C replaced by G.
Protein change: p.Arg129Gly; replaces arginine 129 with glycine.
Molecular consequence: missense variant.
Genome position (GRCh38, 1-based): chr1:55,007,109, C>G. VCF-style: chr1-55007109-C-G. GRCh37 (hg19) VCF-style: chr1-55472782-C-G.
Other names: short protein forms R129G.
Identifiers: ClinVar variation 1352677 (VCV001352677.3), dbSNP rs757283527, ClinGen allele CA340475317.
Genomic context (GRCh38, chr1:55,007,109, plus strand): 5'-CAGAGCCTGCCTGACTTCAGCCACATCCAGATGAAAGTCATGAGCTACAGTGAGGACCAC[C>G]GCTCCTTGCTGGCCCCTGAGATGGGGCAGCCGAAGCTGGGAACCAGTGATGGAGGAGAAG-3'
Protein context (NP_476517.1, residues 119-139): MKVMSYSEDH[Arg129Gly]SLLAPEMGQP